The following is an entry in ClinVar:

ClinVar aggregate classification (germline): Uncertain significance. Review status: criteria provided, multiple submitters, no conflicts (2 of 4 stars). 2 submissions from 2 submitters: Uncertain significance (2). Last evaluated 2022-09-04.

Conditions:
Inborn genetic diseases. Identifiers: MedGen C0950123, MeSH D030342.
Idiopathic generalized epilepsy. Also called: EIG; Generalised epilepsy. Identifiers: MedGen C0270850, MONDO:0005579, OMIM 600669.
Hyperaldosteronism, familial, type IV (HALD4). Also called: FH IV; ALDOSTERONISM, PRIMARY, AND HYPERTENSION. Identifiers: Orphanet 642671, MedGen C4310756, MONDO:0014875, OMIM 617027.

Allele frequency attached by ClinVar (database versions not stated): TOPMed 0.00001.
gnomAD v4.1: 24 of 1,581,546 alleles (0.0015%); highest among the groups gnomAD compares: Middle Eastern, 0.036%; no homozygotes.

Submissions (2):

Labcorp Genetics (formerly Invitae), Labcorp
Classification: Uncertain significance for Idiopathic generalized epilepsy; Hyperaldosteronism, familial, type IV. Last evaluated: 2022-09-04. Review status: criteria provided, single submitter. Criteria: Invitae Variant Classification Sherloc (09022015). Collection method: clinical testing. Allele origin: germline.
Comment: This sequence change replaces isoleucine, which is neutral and non-polar, with methionine, which is neutral and non-polar, at codon 872 of the CACNA1H protein (p.Ile872Met). The frequency data for this variant in the population databases is considered unreliable, as metrics indicate poor data quality at this position in the gnomAD database. This variant has not been reported in the literature in individuals affected with CACNA1H-related conditions. ClinVar contains an entry for this variant (Variation ID: 961870). Advanced modeling of protein sequence and biophysical properties (such as structural, functional, and spatial information, amino acid conservation, physicochemical variation, residue mobility, and thermodynamic stability) performed at Invitae indicates that this missense variant is not expected to disrupt CACNA1H protein function. In summary, the available evidence is currently insufficient to determine the role of this variant in disease. Therefore, it has been classified as a Variant of Uncertain Significance.

Ambry Genetics
Classification: Uncertain significance for Inborn genetic diseases. Last evaluated: 2022-02-02. Review status: criteria provided, single submitter. Criteria: Ambry Variant Classification Scheme 2023. Collection method: clinical testing. Allele origin: germline.

NM_021098.3(CACNA1H):c.2616C>G (p.Ile872Met)

Gene: CACNA1H (calcium voltage-gated channel subunit alpha1 H; plus strand). Cytogenetic location: 16p13.3.
Variant type: single nucleotide variant.
Coding change: c.2616C>G on transcript NM_021098.3 (MANE Select); coding-DNA position 2616, C replaced by G.
Protein change: p.Ile872Met; replaces isoleucine 872 with methionine.
Molecular consequence: missense variant.
Genome position (GRCh38, 1-based): chr16:1,206,116, C>G. VCF-style: chr16-1206116-C-G. GRCh37 (hg19) VCF-style: chr16-1256116-C-G.
Other names: c.2616C>G, p.Ile872Met (NM_001005407.2); short protein forms I872M.
Identifiers: ClinVar variation 961870 (VCV000961870.10), dbSNP rs375605628, ClinGen allele CA394168555.